The following is an entry in ClinVar:

ClinVar aggregate classification (germline): Uncertain significance (1 of 4 stars; one submission).

Conditions:
Marfan syndrome (MFS). Also called: MARFAN SYNDROME, TYPE I; Marfan syndrome type 1; Marfan's syndrome; Marfan syndrome, classic; FBN1-Related Marfan Syndrome. Identifiers: Orphanet 284963, Orphanet 558, MedGen C0024796, MONDO:0007947, OMIM 154700.
Familial thoracic aortic aneurysm and aortic dissection (TAAD). Also called: Thoracic aortic aneurysms and dissections. Identifiers: Orphanet 91387, MedGen C4707243, MONDO:0019625.

Submission:

Labcorp Genetics (formerly Invitae), Labcorp
Classification: Uncertain significance for Marfan syndrome; Familial thoracic aortic aneurysm and aortic dissection. Last evaluated: 2022-08-23. Review status: criteria provided, single submitter. Criteria: Invitae Variant Classification Sherloc (09022015). Collection method: clinical testing. Allele origin: germline.
Comment: Advanced modeling of protein sequence and biophysical properties (such as structural, functional, and spatial information, amino acid conservation, physicochemical variation, residue mobility, and thermodynamic stability) performed at Invitae indicates that this missense variant is expected to disrupt FBN1 protein function. In summary, the available evidence is currently insufficient to determine the role of this variant in disease. Therefore, it has been classified as a Variant of Uncertain Significance. This variant is not present in population databases (gnomAD no frequency). This sequence change replaces asparagine, which is neutral and polar, with histidine, which is basic and polar, at codon 1046 of the FBN1 protein (p.Asn1046His). This variant has not been reported in the literature in individuals affected with FBN1-related conditions. ClinVar contains an entry for this variant (Variation ID: 1480110).

NM_000138.5(FBN1):c.3136A>C (p.Asn1046His)

Gene: FBN1 (fibrillin 1; minus strand). Cytogenetic location: 15q21.1.
Variant type: single nucleotide variant.
Coding change: c.3136A>C on transcript NM_000138.5 (MANE Select); coding-DNA position 3136, A replaced by C.
Protein change: p.Asn1046His; replaces asparagine 1046 with histidine.
Molecular consequence: missense variant.
Genome position (GRCh38, 1-based): chr15:48,488,440, T>G on the plus strand (A>C on the coding strand, the complement: FBN1 is on the minus strand). VCF-style: chr15-48488440-T-G. GRCh37 (hg19) VCF-style: chr15-48780637-T-G.
Other names: short protein forms N1046H.
Identifiers: ClinVar variation 1480110 (VCV001480110.8), dbSNP rs2141295243, ClinGen allele CA392328126.
Genomic context (GRCh38, chr15:48,488,440, plus strand): 5'-TTTCTTCAGAATCAAGAGCAAAGCCGCTGTCACACCTGCACTTAAAGCTGCCAATGGTGT[T>G]TCTGCACTTGCCGTGGGTGCAGAGGCTGGGTATCATCTTGCACTCATTGATATCTTCAAG-3'
Protein context (NP_000129.3, residues 1036-1056): PSLCTHGKCR[Asn1046His]TIGSFKCRCD